The following is an entry in ClinVar:

ClinVar aggregate classification (germline): Conflicting classifications of pathogenicity. Review status: criteria provided, conflicting classifications (1 of 4 stars). 3 submissions from 3 submitters: Uncertain significance (1); Likely benign (1). 1 of the submissions does not count toward it. Last evaluated 2025-04-18.

Conditions:
FASN-related disorder. Also called: FASN-related condition.
Epileptic encephalopathy. Identifiers: MedGen C0543888, HP:0200134.

Allele frequency attached by ClinVar (database versions not stated): TOPMed 0.00009; gnomAD 0.00014 and 0.00015; gnomAD exomes 0.00010 and 0.00018; ESP Exome Variant Server 0.00015; ExAC 0.00009.
gnomAD v4.1: 161 of 1,612,608 alleles (0.01%); highest among the groups gnomAD compares: African/African-American, 0.013%; no homozygotes.

Submissions (3):

Labcorp Genetics (formerly Invitae), Labcorp
Classification: Likely benign for Epileptic encephalopathy. Last evaluated: 2025-04-18. Review status: criteria provided, single submitter. Criteria: Invitae Variant Classification Sherloc (09022015). Collection method: clinical testing. Allele origin: germline.

Ambry Genetics
Classification: Uncertain significance. Last evaluated: 2022-10-06. Review status: criteria provided, single submitter. Criteria: Ambry Variant Classification Scheme 2023. Collection method: clinical testing. Allele origin: germline.

PreventionGenetics, part of Exact Sciences
Classification: Likely benign for FASN-related condition. Last evaluated: 2023-01-30. Review status: no assertion criteria provided. Collection method: clinical testing. Allele origin: germline. Not counted in ClinVar's aggregate classification.
Comment: This variant is classified as likely benign based on ACMG/AMP sequence variant interpretation guidelines (Richards et al. 2015 PMID: 25741868, with internal and published modifications).

NM_004104.5(FASN):c.5285C>T (p.Thr1762Met)

Gene: FASN (fatty acid synthase; minus strand). Cytogenetic location: 17q25.3.
Variant type: single nucleotide variant.
Coding change: c.5285C>T on transcript NM_004104.5 (MANE Select); coding-DNA position 5285, C replaced by T.
Protein change: p.Thr1762Met; replaces threonine 1762 with methionine.
Molecular consequence: missense variant.
Genome position (GRCh38, 1-based): chr17:82,083,573, G>A on the plus strand (C>T on the coding strand, the complement: FASN is on the minus strand). VCF-style: chr17-82083573-G-A. GRCh37 (hg19) VCF-style: chr17-80041449-G-A.
Other names: short protein forms T1762M.
Identifiers: ClinVar variation 707532 (VCV000707532.13), dbSNP rs140375571, ClinGen allele CA8851754.
Genomic context (GRCh38, chr17:82,083,573, plus strand): 5'-TCACCGAGCGGGTGGTTCTGAGAAAGGTCGAATTTGCCAATTTCCAGGAAGCGACCGTGC[G>A]TAGCCAAGCACCTCACGCTGGCCTGCAGCTTCTCTTCCGCCAAGGAGTTCAAGACCAGGT-3'
Protein context (NP_004095.4, residues 1752-1772): KLQASVRCLA[Thr1762Met]HGRFLEIGKF